The following is an entry in ClinVar:

ClinVar aggregate classification (germline): Uncertain significance. Review status: criteria provided, multiple submitters, no conflicts (2 of 4 stars). 2 submissions from 2 submitters: Uncertain significance (2). Last evaluated 2025-07-16.

Conditions:
Malignant hyperthermia, susceptibility to, 1 (MHS1). Also called: Anesthesia related hyperthermia; Malignant hyperpyrexia; Fulminating hyperpyrexia; Pharmacogenic myopathy; RYR1-Related Malignant Hyperthermia Susceptibility; Malignant hyperthermia suceptibility 1. Identifiers: Orphanet 423, MedGen C2930980, MONDO:0007783, OMIM 145600.
RYR1-related disorder. Also called: RYR1-related condition; RYR1-related disorders. Identifiers: MedGen CN239331.

Submissions (2):

Color Diagnostics, LLC DBA Color Health
Classification: Uncertain significance for Malignant hyperthermia, susceptibility to, 1. Last evaluated: 2025-07-16. Review status: criteria provided, single submitter. Criteria: ACMG Guidelines, 2015. Collection method: clinical testing. Allele origin: germline.
Comment: This missense variant replaces alanine with glutamic acid at codon 3774 of the RYR1 protein. Computational prediction suggests that this variant may have deleterious impact on protein structure and function. To our knowledge, functional studies have not been reported for this variant. This variant has not been reported in individuals affected with RYR1-related disorders in the literature. This variant has not been identified in the general population by the Genome Aggregation Database (gnomAD). The available evidence is insufficient to determine the role of this variant in disease conclusively. Therefore, this variant is classified as a Variant of Uncertain Significance.

Labcorp Genetics (formerly Invitae), Labcorp
Classification: Uncertain significance for RYR1-related disorder. Last evaluated: 2023-05-22. Review status: criteria provided, single submitter. Criteria: Invitae Variant Classification Sherloc (09022015). Collection method: clinical testing. Allele origin: germline.
Comment: Advanced modeling of protein sequence and biophysical properties (such as structural, functional, and spatial information, amino acid conservation, physicochemical variation, residue mobility, and thermodynamic stability) performed at Invitae indicates that this missense variant is expected to disrupt RYR1 protein function. In summary, the available evidence is currently insufficient to determine the role of this variant in disease. Therefore, it has been classified as a Variant of Uncertain Significance. This sequence change replaces alanine, which is neutral and non-polar, with glutamic acid, which is acidic and polar, at codon 3774 of the RYR1 protein (p.Ala3774Glu). This variant is not present in population databases (gnomAD no frequency). This variant has not been reported in the literature in individuals affected with RYR1-related conditions.

NM_000540.3(RYR1):c.11321C>A (p.Ala3774Glu)

Gene: RYR1 (ryanodine receptor 1; plus strand). Cytogenetic location: 19q13.2.
Variant type: single nucleotide variant.
Coding change: c.11321C>A on transcript NM_000540.3 (MANE Select); coding-DNA position 11321, C replaced by A.
Protein change: p.Ala3774Glu; replaces alanine 3774 with glutamic acid.
Molecular consequence: missense variant.
Genome position (GRCh38, 1-based): chr19:38,534,781, C>A. VCF-style: chr19-38534781-C-A. GRCh37 (hg19) VCF-style: chr19-39025421-C-A.
Other names: c.11306C>A, p.Ala3769Glu (NM_001042723.2); short protein forms A3769E, A3774E.
Identifiers: ClinVar variation 3009493 (VCV003009493.4), dbSNP rs146361173, ClinGen allele CA405654741.